The following is an entry in ClinVar:

NM_152447.5(LRFN5):c.945G>A (p.Glu315=)

Gene: LRFN5 (leucine rich repeat and fibronectin type III domain containing 5; plus strand). Cytogenetic location: 14q21.1.
Variant type: single nucleotide variant.
Coding change: c.945G>A on transcript NM_152447.5 (MANE Select); coding-DNA position 945, G replaced by A.
Protein change: p.Glu315=; no amino-acid change (glutamic acid 315 retained).
Molecular consequence: synonymous variant. On other transcripts: non-coding transcript variant (2).
Genome position (GRCh38, 1-based): chr14:41,887,570, G>A. VCF-style: chr14-41887570-G-A. GRCh37 (hg19) VCF-style: chr14-42356773-G-A.
Other names: c.945G>A, p.Glu315= (NM_001330106.2, NM_001346173.2, NM_001346175.2).
Identifiers: ClinVar variation 3046343 (VCV003046343.2), dbSNP rs150248310, ClinGen allele CA7165462.

ClinVar aggregate classification (germline): Likely benign (0 of 4 stars; one submission).

Conditions:
LRFN5-related disorder. Also called: LRFN5-related condition.

Allele frequency attached by ClinVar (database versions not stated): gnomAD exomes 0.00011; ExAC 0.00039; gnomAD 0.00109; TOPMed 0.00110; ESP Exome Variant Server 0.00131; 1000 Genomes Project 30x 0.00172; 1000 Genomes Project 0.00180.
gnomAD v4.1: 332 of 1,614,198 alleles (0.021%); highest among the groups gnomAD compares: African/African-American, 0.39%; 1 homozygote.

Submission:

PreventionGenetics, part of Exact Sciences
Classification: Likely benign for LRFN5-related condition. Last evaluated: 2019-03-25. Review status: no assertion criteria provided. Collection method: clinical testing. Allele origin: germline.
Comment: This variant is classified as likely benign based on ACMG/AMP sequence variant interpretation guidelines (Richards et al. 2015 PMID: 25741868, with internal and published modifications).